The following is an entry in ClinVar:

ClinVar aggregate classification (germline): Uncertain significance. Review status: criteria provided, multiple submitters, no conflicts (2 of 4 stars). 2 submissions from 2 submitters: Uncertain significance (2). Last evaluated 2025-10-20.

Conditions:
Cardiovascular phenotype. Identifiers: MedGen CN230736.
Distal myopathy with posterior leg and anterior hand involvement. Also called: WILLIAMS DISTAL MYOPATHY. Identifiers: Orphanet 63273, MedGen C3279722, MONDO:0013550, OMIM 614065.
Myofibrillar myopathy 5. Also called: Filaminopathy (type); FILAMINOPATHY, AUTOSOMAL DOMINANT. Identifiers: Orphanet 171445, MedGen C1836050, MONDO:0012289, OMIM 609524.
Hypertrophic cardiomyopathy 26. Also called: Cardiomyopathy, familial hypertrophic, 26. Identifiers: Orphanet 75249, MedGen C4310749, MONDO:0014883, OMIM 617047.

Allele frequency attached by ClinVar (database versions not stated): TOPMed 0.00001; ExAC 0.00002; gnomAD 0.00002; gnomAD exomes 0.00002; ESP Exome Variant Server 0.00016.
gnomAD v4.1: 31 of 1,613,886 alleles (0.0019%); highest among the groups gnomAD compares: Non-Finnish European, 0.0022%; no homozygotes.

Submissions (2):

Labcorp Genetics (formerly Invitae), Labcorp
Classification: Uncertain significance for Distal myopathy with posterior leg and anterior hand involvement; Myofibrillar myopathy 5; Hypertrophic cardiomyopathy 26. Last evaluated: 2025-10-20. Review status: criteria provided, single submitter. Criteria: Invitae Variant Classification Sherloc (09022015). Collection method: clinical testing. Allele origin: germline.
Comment: This sequence change replaces glycine, which is neutral and non-polar, with serine, which is neutral and polar, at codon 2106 of the FLNC protein (p.Gly2106Ser). This variant is present in population databases (rs371373898, gnomAD 0.002%). This variant has not been reported in the literature in individuals affected with FLNC-related conditions. ClinVar contains an entry for this variant (Variation ID: 2078294). Invitae Evidence Modeling of protein sequence and biophysical properties (such as structural, functional, and spatial information, amino acid conservation, physicochemical variation, residue mobility, and thermodynamic stability) has been performed for this missense variant. However, the output from this modeling did not meet the statistical confidence thresholds required to predict the impact of this variant on FLNC protein function. In summary, the available evidence is currently insufficient to determine the role of this variant in disease. Therefore, it has been classified as a Variant of Uncertain Significance.

Ambry Genetics
Classification: Uncertain significance for Cardiovascular phenotype. Last evaluated: 2024-03-01. Review status: criteria provided, single submitter. Criteria: Ambry Variant Classification Scheme 2023. Collection method: clinical testing. Allele origin: germline.
Comment: The p.G2106S variant (also known as c.6316G>A), located in coding exon 38 of the FLNC gene, results from a G to A substitution at nucleotide position 6316. The glycine at codon 2106 is replaced by serine, an amino acid with similar properties. This amino acid position is highly conserved in available vertebrate species. In addition, this alteration is predicted to be deleterious by in silico analysis. Based on the available evidence, the clinical significance of this alteration remains unclear.

NM_001458.5(FLNC):c.6316G>A (p.Gly2106Ser)

Genes: FLNC-AS1 (FLNC antisense RNA 1; minus strand), FLNC (filamin C; plus strand). Cytogenetic location: 7q32.1.
Variant type: single nucleotide variant.
Coding change: c.6316G>A on transcript NM_001458.5 (MANE Select); coding-DNA position 6316, G replaced by A.
Protein change: p.Gly2106Ser; replaces glycine 2106 with serine.
Molecular consequence: missense variant.
Genome position (GRCh38, 1-based): chr7:128,853,576, G>A. VCF-style: chr7-128853576-G-A. GRCh37 (hg19) VCF-style: chr7-128493630-G-A.
Other names: c.6217G>A, p.Gly2073Ser (NM_001127487.2); short protein forms G2073S, G2106S.
Identifiers: ClinVar variation 2078294 (VCV002078294.4), dbSNP rs371373898, ClinGen allele CA4475942.